The following is an entry in ClinVar:

ClinVar aggregate classification (germline): Conflicting classifications of pathogenicity. Review status: criteria provided, conflicting classifications (1 of 4 stars). 3 submissions from 3 submitters: Uncertain significance (2); Likely benign (1). Last evaluated 2026-04-09.

Allele frequency attached by ClinVar (database versions not stated): gnomAD 0.00002 and 0.00001; TOPMed 0.00001; gnomAD exomes 0.00002 and below 0.00001; 1000 Genomes Project 0.00020; ExAC 0.00002; 1000 Genomes Project 30x 0.00016.
gnomAD v4.1: 7 of 1,612,762 alleles (0.00043%); highest among the groups gnomAD compares: East Asian, 0.013%; no homozygotes.

Submissions (3):

GeneDx
Classification: Uncertain significance. Last evaluated: 2026-04-09. Review status: criteria provided, single submitter. Criteria: GeneDx Variant Classification Process June 2021. Collection method: clinical testing. Allele origin: germline.
Comment: In silico analysis suggests that this missense variant does not alter protein structure/function; Has not been previously published as pathogenic or benign to our knowledge

Labcorp Genetics (formerly Invitae), Labcorp
Classification: Likely benign. Last evaluated: 2024-03-19. Review status: criteria provided, single submitter. Criteria: Invitae Variant Classification Sherloc (09022015). Collection method: clinical testing. Allele origin: germline.

Laboratory for Molecular Medicine, Mass General Brigham Personalized Medicine
Classification: Uncertain significance. Last evaluated: 2014-08-19. Review status: criteria provided, single submitter. Criteria: LMM Criteria. Collection method: clinical testing. Allele origin: germline. Observed: 1 variant allele.
Comment: The Lys750Glu variant in OTOF has not been previously reported in individuals wi th hearing loss or in large population studies. Computational prediction tools a nd conservation analyses do not provide strong support for or against an impact to the protein. In summary, the clinical significance of the Lys60Glu variant is uncertain.

NM_194248.3(OTOF):c.2248A>G (p.Lys750Glu)

Genes: OTOF (otoferlin; minus strand), LOC129933334 (ATAC-STARR-seq lymphoblastoid active region 15473; plus strand). Cytogenetic location: 2p23.3.
Variant type: single nucleotide variant.
Coding change: c.2248A>G on transcript NM_194248.3 (MANE Select); coding-DNA position 2248, A replaced by G.
Protein change: p.Lys750Glu; replaces lysine 750 with glutamic acid.
Molecular consequence: missense variant.
Genome position (GRCh38, 1-based): chr2:26,477,716, T>C on the plus strand (A>G on the coding strand, the complement: OTOF is on the minus strand). VCF-style: chr2-26477716-T-C. GRCh37 (hg19) VCF-style: chr2-26700584-T-C.
Other names: c.2248A>G, p.Lys750Glu (NM_001287489.2); c.7A>G, p.Lys3Glu (NM_004802.4, NM_194323.3); c.178A>G, p.Lys60Glu (NM_194322.3); short protein forms K60E, K750E, K3E.
Identifiers: ClinVar variation 164867 (VCV000164867.9), dbSNP rs551919295, ClinGen allele CA177558.